The following is an entry in ClinVar:

ClinVar aggregate classification (germline): Uncertain significance (1 of 4 stars; one submission).

Allele frequency attached by ClinVar (database versions not stated): ExAC 0.00001; gnomAD exomes 0.00001; TOPMed 0.00001.
gnomAD v4.1: 8 of 1,612,076 alleles (0.0005%); highest among the groups gnomAD compares: South Asian, 0.0044%; no homozygotes.

Submission:

Labcorp Genetics (formerly Invitae), Labcorp
Classification: Uncertain significance. Last evaluated: 2022-02-19. Review status: criteria provided, single submitter. Criteria: Invitae Variant Classification Sherloc (09022015). Collection method: clinical testing. Allele origin: germline.
Comment: This variant is present in population databases (rs771267814, gnomAD 0.002%). In summary, the available evidence is currently insufficient to determine the role of this variant in disease. Therefore, it has been classified as a Variant of Uncertain Significance. Advanced modeling of protein sequence and biophysical properties (such as structural, functional, and spatial information, amino acid conservation, physicochemical variation, residue mobility, and thermodynamic stability) performed at Invitae indicates that this missense variant is not expected to disrupt LRP2 protein function. This variant has not been reported in the literature in individuals affected with LRP2-related conditions. This sequence change replaces asparagine, which is neutral and polar, with serine, which is neutral and polar, at codon 709 of the LRP2 protein (p.Asn709Ser).

NM_004525.3(LRP2):c.2126A>G (p.Asn709Ser)

Gene: LRP2 (LDL receptor related protein 2; minus strand). Cytogenetic location: 2q31.1.
Variant type: single nucleotide variant.
Coding change: c.2126A>G on transcript NM_004525.3 (MANE Select); coding-DNA position 2126, A replaced by G.
Protein change: p.Asn709Ser; replaces asparagine 709 with serine.
Molecular consequence: missense variant.
Genome position (GRCh38, 1-based): chr2:169,271,098, T>C on the plus strand (A>G on the coding strand, the complement: LRP2 is on the minus strand). VCF-style: chr2-169271098-T-C. GRCh37 (hg19) VCF-style: chr2-170127608-T-C.
Other names: short protein forms N709S.
Identifiers: ClinVar variation 2099439 (VCV002099439.4), dbSNP rs771267814, ClinGen allele CA1955369.
Genomic context (GRCh38, chr2:169,271,098, plus strand): 5'-TGGGTAGACAAGGTGAACGGGATCCCACGAATAGCAACTTGGGATGAAAAAATGAGGAAA[T>C]TCTGAACAGCTGTAGGAAGAATAACACAGCACAGTCAGTCACAGCATGGTTCTTTTCTCT-3'
Protein context (NP_004516.2, residues 699-719): TDERHCIAVQ[Asn709Ser]FLIFSSQVAI